The following is an entry in ClinVar:

ClinVar aggregate classification (germline): Pathogenic/Likely pathogenic. Review status: criteria provided, multiple submitters, no conflicts (2 of 4 stars). 7 submissions from 7 submitters: Pathogenic (4); Likely pathogenic (1). 2 of the submissions do not count toward it. Last evaluated 2025-09-22.

Conditions:
MKS1-related disorder. Also called: MKS1-related disorders; MKS1-related condition. Identifiers: MedGen CN239382.
Meckel syndrome, type 1 (MKS1). Also called: MECKEL-GRUBER SYNDROME, TYPE 1. Identifiers: Orphanet 564, MedGen C3714506, MONDO:0009571, OMIM 249000.
Meckel-Gruber syndrome. Also called: DYSENCEPHALIA SPLANCHNOCYSTICA; GRUBER SYNDROME; Dysencephalia splachnocystica. Identifiers: Orphanet 564, MedGen C0265215, MONDO:0018921.
Joubert syndrome. Also called: Familial aplasia of the vermis; JOUBERT-BOLTSHAUSER SYNDROME. Identifiers: Orphanet 475, MedGen C5979921, MONDO:0018772.
Bardet-Biedl syndrome 13 (BBS13). Identifiers: Orphanet 110, MedGen C2673873, MONDO:0014441, OMIM 615990.

Allele frequency attached by ClinVar (database versions not stated): ExAC 0.00001; gnomAD exomes 0.00001; TOPMed 0.00001.
gnomAD v4.1: 4 of 1,606,942 alleles (0.00025%); highest among the groups gnomAD compares: Admixed American, 0.0033%; no homozygotes.

Submissions (7):

Natera, Inc.
Classification: Pathogenic for Meckel syndrome type 1. Last evaluated: 2025-09-22. Review status: criteria provided, single submitter. Criteria: Natera Variant Classification Schema (03/2026). Collection method: clinical testing. Allele origin: germline.
Comment: The c.472C>T variant in MKS1 is a nonsense variant predicted to introduce a stop codon at amino acid 158. This variant is expected to result in nonsense mediated decay, truncation, or a dysfunctional protein product. This variant is rare in the general population with a frequency below the threshold expected for the associated phenotype(s). This variant has been observed in one or more individuals affected with the associated recessive disease, as either homozygous or compound heterozygous with a second variant (PMID: 17397051). Given the available evidence, this variant is classified as Pathogenic.

Labcorp Genetics (formerly Invitae), Labcorp
Classification: Pathogenic for Joubert syndrome; Meckel-Gruber syndrome. Last evaluated: 2024-03-16. Review status: criteria provided, single submitter. Criteria: Invitae Variant Classification Sherloc (09022015). Collection method: clinical testing. Allele origin: germline.
Comment: This sequence change creates a premature translational stop signal (p.Arg158*) in the MKS1 gene. It is expected to result in an absent or disrupted protein product. Loss-of-function variants in MKS1 are known to be pathogenic (PMID: 19466712, 24886560, 26490104). This variant is present in population databases (rs386834050, gnomAD 0.01%). This premature translational stop signal has been observed in individual(s) with MKS1-related conditions (PMID: 17397051). ClinVar contains an entry for this variant (Variation ID: 56623). For these reasons, this variant has been classified as Pathogenic.

Baylor Genetics
Classification: Pathogenic for Bardet-Biedl syndrome 13. Last evaluated: 2024-03-14. Review status: criteria provided, single submitter. Criteria: ACMG Guidelines, 2015. Collection method: clinical testing. Allele origin: unknown.

Blueprint Genetics
Classification: Likely pathogenic for MKS1-related disorders. Last evaluated: 2020-03-20. Review status: criteria provided, single submitter. Criteria: ACMG Guidelines, 2015. Collection method: clinical testing. Allele origin: germline. Affected: yes. Observed: 1 variant allele.

GeneDx
Classification: Pathogenic. Last evaluated: 2018-06-14. Review status: criteria provided, single submitter. Criteria: GeneDx Variant Classification (06012015). Collection method: clinical testing. Allele origin: germline. Affected: yes.
Comment: The R158X variant in the MKS1 gene has been reported previously in association with Meckel syndrome. (Khaddour et al., 2007; Tallila et al., 2009). In one publication, this variant was confirmed to be on the opposite allele (in trans) with another pathogenic variant (Khaddour et al., 2007). This variant is predicted to cause loss of normal protein function either through protein truncation or nonsense-mediated mRNA decay. The R158X variant is observed in 2/241314 alleles in large population cohorts (Lek et al., 2016). We interpret R158X as a pathogenic variant.

PreventionGenetics, part of Exact Sciences
Classification: Pathogenic for MKS1-related condition. Last evaluated: 2024-09-18. Review status: no assertion criteria provided. Collection method: clinical testing. Allele origin: germline. Not counted in ClinVar's aggregate classification.
Comment: The MKS1 c.472C>T variant is predicted to result in premature protein termination (p.Arg158*). This variant has been reported in the compound heterozygous state in a fetus with features consistent with Meckel syndrome (Khaddour et al. 2007. PubMed ID: 17397051) and was also reported in the compound heterozygous state in an individual with isolated retinitis pigmentosa who was found to have a mild presentation of Joubert syndrome through molecular testing (Brunetti-Pierri R et al. 2021. PubMed ID: 34359301). Functional studies using HEK293 cells and fibroblasts from the compound heterozygous patient in the Khaddour et al. paper show that these variants result in ciliary defects, deregulation of proteasome, and disrupt Wnt/beta-catenin signaling (Szymanska et al. 2022. PubMed ID: 35170427). This variant is reported in 0.011% of alleles in individuals of East Asian descent in gnomAD. Nonsense variants in MKS1 are expected to be pathogenic. This variant is interpreted as pathogenic.

Juha Muilu Group; Institute for Molecular Medicine Finland (FIMM)
Classification: Likely pathogenic for Meckel syndrome type1. Review status: no assertion criteria provided. Collection method: not provided. Allele origin: unknown. Not counted in ClinVar's aggregate classification.
Comment: FinDis database variant: This variant was not found or characterized by our laboratory, data were collected from public sources: see reference
ClinVar note: Converted during submission from probable-pathogenic to Likely pathogenic.

Literature cited by the submitters: PubMed 17397051 (cited by Natera, Inc. and Labcorp Genetics (formerly Invitae), Labcorp); PubMed 19466712 (cited by Labcorp Genetics (formerly Invitae), Labcorp); PubMed 24886560 (cited by Labcorp Genetics (formerly Invitae), Labcorp); PubMed 26490104 (cited by Labcorp Genetics (formerly Invitae), Labcorp).

NM_017777.4(MKS1):c.472C>T (p.Arg158Ter)

Gene: MKS1 (MKS transition zone complex subunit 1; minus strand). Cytogenetic location: 17q22.
Variant type: single nucleotide variant.
Coding change: c.472C>T on transcript NM_017777.4 (MANE Select); coding-DNA position 472, C replaced by T.
Protein change: p.Arg158Ter; replaces arginine 158 with a stop codon.
Molecular consequence: nonsense. On other transcripts: intron variant (1).
Genome position (GRCh38, 1-based): chr17:58,214,784, G>A on the plus strand (C>T on the coding strand, the complement: MKS1 is on the minus strand). VCF-style: chr17-58214784-G-A. GRCh37 (hg19) VCF-style: chr17-56292145-G-A.
Other names: c.472C>T, p.Arg158Ter (NM_001321269.2, NM_001330397.2); c.-94-397C>T (NM_001321268.2); short protein forms R158*.
Identifiers: ClinVar variation 56623 (VCV000056623.13), dbSNP rs386834050, ClinGen allele CA344757.